The following is an entry in ClinVar:

NM_001543.5(NDST1):c.1458C>T (p.Cys486=)

Gene: NDST1 (N-deacetylase and N-sulfotransferase 1; plus strand). Cytogenetic location: 5q33.1.
Variant type: single nucleotide variant.
Coding change: c.1458C>T on transcript NM_001543.5 (MANE Select); coding-DNA position 1458, C replaced by T.
Protein change: p.Cys486=; no amino-acid change (cysteine 486 retained).
Molecular consequence: synonymous variant.
Genome position (GRCh38, 1-based): chr5:150,539,248, C>T. VCF-style: chr5-150539248-C-T. GRCh37 (hg19) VCF-style: chr5-149918810-C-T.
Other names: c.1458C>T, p.Cys486= (NM_001301063.2).
Identifiers: ClinVar variation 435950 (VCV000435950.35), dbSNP rs148231731, ClinGen allele CA3512679.

ClinVar aggregate classification (germline): Benign/Likely benign. Review status: criteria provided, multiple submitters, no conflicts (2 of 4 stars). 5 submissions from 5 submitters: Benign (1); Likely benign (3). 1 of the submissions does not count toward it. Last evaluated 2025-07-11.

Conditions:
NDST1-related disorder. Also called: NDST1-related condition.

Allele frequency attached by ClinVar (database versions not stated): gnomAD exomes 0.00012 and 0.00032; ExAC 0.00033; 1000 Genomes Project 30x 0.00094; ESP Exome Variant Server 0.00115; 1000 Genomes Project 0.00120; gnomAD 0.00124 and 0.00133; TOPMed 0.00132.

Submissions (5):

Labcorp Genetics (formerly Invitae), Labcorp
Classification: Benign. Last evaluated: 2025-07-11. Review status: criteria provided, single submitter. Criteria: Invitae Variant Classification Sherloc (09022015). Collection method: clinical testing. Allele origin: germline.

CeGaT Center for Human Genetics Tuebingen
Classification: Likely benign. Last evaluated: 2025-07-01. Review status: criteria provided, single submitter. Criteria: CeGaT Center For Human Genetics Tuebingen Variant Classification Criteria Version 2. Collection method: clinical testing. Allele origin: germline. Affected: yes. Observed: 2 variant alleles.
Comment: NDST1: BP4, BP7

Blueprint Genetics
Classification: Likely benign. Last evaluated: 2024-04-15. Review status: criteria provided, single submitter. Criteria: ACMG Guidelines, 2015. Collection method: clinical testing. Allele origin: germline.

Genetic Services Laboratory, University of Chicago
Classification: Likely benign. Last evaluated: 2017-03-31. Review status: criteria provided, single submitter. Criteria: ACMG Guidelines, 2015. Collection method: clinical testing. Allele origin: germline. Affected: no.

PreventionGenetics, part of Exact Sciences
Classification: Likely benign for NDST1-related condition. Last evaluated: 2019-05-02. Review status: no assertion criteria provided. Collection method: clinical testing. Allele origin: germline. Not counted in ClinVar's aggregate classification.
Comment: This variant is classified as likely benign based on ACMG/AMP sequence variant interpretation guidelines (Richards et al. 2015 PMID: 25741868, with internal and published modifications).